The following is an entry in ClinVar:

ClinVar aggregate classification (germline): Uncertain significance. Review status: criteria provided, multiple submitters, no conflicts (2 of 4 stars). 2 submissions from 2 submitters: Uncertain significance (2). Last evaluated 2025-04-01.

Allele frequency attached by ClinVar (database versions not stated): gnomAD exomes 0.00003; ExAC 0.00006.
gnomAD v4.1: 37 of 1,614,126 alleles (0.0023%); highest among the groups gnomAD compares: South Asian, 0.041%; no homozygotes.

Submissions (2):

Labcorp Genetics (formerly Invitae), Labcorp
Classification: Uncertain significance. Last evaluated: 2025-04-01. Review status: criteria provided, single submitter. Criteria: Invitae Variant Classification Sherloc (09022015). Collection method: clinical testing. Allele origin: germline.
Comment: This sequence change replaces threonine, which is neutral and polar, with alanine, which is neutral and non-polar, at codon 159 of the OPN1SW protein (p.Thr159Ala). This variant is present in population databases (rs758249724, gnomAD 0.03%). This variant has not been reported in the literature in individuals affected with OPN1SW-related conditions. ClinVar contains an entry for this variant (Variation ID: 3204395). An algorithm developed to predict the effect of missense changes on protein structure and function outputs the following: PolyPhen-2: "Benign". The alanine amino acid residue is found in multiple mammalian species, which suggests that this missense change does not adversely affect protein function. In summary, the available evidence is currently insufficient to determine the role of this variant in disease. Therefore, it has been classified as a Variant of Uncertain Significance.

Ambry Genetics
Classification: Uncertain significance. Last evaluated: 2024-01-24. Review status: criteria provided, single submitter. Criteria: Ambry Variant Classification Scheme 2023. Collection method: clinical testing. Allele origin: germline.

NM_001385125.1(OPN1SW):c.466A>G (p.Thr156Ala)

Gene: OPN1SW (opsin 1, short wave sensitive; minus strand). Cytogenetic location: 7q32.1.
Variant type: single nucleotide variant.
Coding change: c.466A>G on transcript NM_001385125.1 (MANE Select); coding-DNA position 466, A replaced by G.
Protein change: p.Thr156Ala; replaces threonine 156 with alanine.
Molecular consequence: missense variant.
Genome position (GRCh38, 1-based): chr7:128,775,032, T>C on the plus strand (A>G on the coding strand, the complement: OPN1SW is on the minus strand). VCF-style: chr7-128775032-T-C. GRCh37 (hg19) VCF-style: chr7-128415086-T-C.
Other names: NM_001708.2:c.475A>G; short protein forms T156A.
Identifiers: ClinVar variation 3204395 (VCV003204395.2), dbSNP rs758249724, ClinGen allele CA4472936.